The following is an entry in ClinVar:

ClinVar aggregate classification (germline): Uncertain significance (1 of 4 stars; one submission).

Conditions:
Primary dilated cardiomyopathy (DCM). Also called: Dilated Cardiomyopathy. Identifiers: Orphanet 217604, MedGen C0007193, MeSH D002311, MONDO:0005021, HP:0001644. Inheritance: Various modes of inheritance.

Submission:

Labcorp Genetics (formerly Invitae), Labcorp
Classification: Uncertain significance for Primary dilated cardiomyopathy. Last evaluated: 2025-10-07. Review status: criteria provided, single submitter. Criteria: Invitae Variant Classification Sherloc (09022015). Collection method: clinical testing. Allele origin: germline.
Comment: This sequence change replaces valine, which is neutral and non-polar, with methionine, which is neutral and non-polar, at codon 614 of the NEBL protein (p.Val614Met). This variant is not present in population databases (gnomAD no frequency). This variant has not been reported in the literature in individuals affected with NEBL-related conditions. An algorithm developed to predict the effect of missense changes on protein structure and function (PolyPhen-2) suggests that this variant is likely to be disruptive. In summary, the available evidence is currently insufficient to determine the role of this variant in disease. Therefore, it has been classified as a Variant of Uncertain Significance.

NM_006393.3(NEBL):c.1840G>A (p.Val614Met)

Gene: NEBL (nebulette; minus strand). Cytogenetic location: 10p12.31.
Variant type: single nucleotide variant.
Coding change: c.1840G>A on transcript NM_006393.3 (MANE Select); coding-DNA position 1840, G replaced by A.
Protein change: p.Val614Met; replaces valine 614 with methionine.
Molecular consequence: missense variant. On other transcripts: intron variant (9).
Genome position (GRCh38, 1-based): chr10:20,826,476, C>T on the plus strand (G>A on the coding strand, the complement: NEBL is on the minus strand). VCF-style: chr10-20826476-C-T. GRCh37 (hg19) VCF-style: chr10-21115405-C-T.
Other names: c.250-13536G>A (NM_001377326.1, NM_001377327.1, NM_001377328.1); c.358-13536G>A (NM_213569.2, NM_001173484.2, NM_001377322.1); c.301-13536G>A (NM_001377324.1); c.292-13536G>A (NM_001377325.1); c.310-13536G>A (NM_001377323.1); short protein forms V614M.
Identifiers: ClinVar variation 4762645 (VCV004762645.1).